The following is an entry in ClinVar:

ClinVar aggregate classification (germline): Uncertain significance. Review status: criteria provided, single submitter (1 of 4 stars). 2 submissions from 2 submitters: Uncertain significance (1). 1 of the submissions does not count toward it. Last evaluated 2023-02-18.

Conditions:
Charcot-Marie-Tooth disease type 2. Also called: Charcot-Marie-Tooth type 2. Identifiers: Orphanet 64746, MedGen C0270914, MONDO:0018993.
KIF1B-related disorder. Also called: KIF1B-related condition.

Allele frequency attached by ClinVar (database versions not stated): ExAC 0.00001; gnomAD exomes below 0.00001.

Submissions (2):

Labcorp Genetics (formerly Invitae), Labcorp
Classification: Uncertain significance for Charcot-Marie-Tooth disease type 2. Last evaluated: 2023-02-18. Review status: criteria provided, single submitter. Criteria: Invitae Variant Classification Sherloc (09022015). Collection method: clinical testing. Allele origin: germline.
Comment: In summary, the available evidence is currently insufficient to determine the role of this variant in disease. Therefore, it has been classified as a Variant of Uncertain Significance. Variants that disrupt the consensus splice site are a relatively common cause of aberrant splicing (PMID: 17576681, 9536098). Algorithms developed to predict the effect of sequence changes on RNA splicing suggest that this variant is not likely to affect RNA splicing. This variant has not been reported in the literature in individuals affected with KIF1B-related conditions. This variant is present in population databases (rs754363169, gnomAD 0.002%). This sequence change falls in intron 15 of the KIF1B gene. It does not directly change the encoded amino acid sequence of the KIF1B protein. It affects a nucleotide within the consensus splice site.

PreventionGenetics, part of Exact Sciences
Classification: Likely benign for KIF1B-related condition. Last evaluated: 2019-07-16. Review status: no assertion criteria provided. Collection method: clinical testing. Allele origin: germline. Not counted in ClinVar's aggregate classification.
Comment: This variant is classified as likely benign based on ACMG/AMP sequence variant interpretation guidelines (Richards et al. 2015 PMID: 25741868, with internal and published modifications).

Literature cited by the submitters: PubMed 17576681 (cited by Labcorp Genetics (formerly Invitae), Labcorp); PubMed 9536098 (cited by Labcorp Genetics (formerly Invitae), Labcorp).

NM_001365951.3(KIF1B):c.1590+6A>G

Gene: KIF1B (kinesin family member 1B; plus strand). Cytogenetic location: 1p36.22.
Variant type: single nucleotide variant.
Coding change: c.1590+6A>G on transcript NM_001365951.3 (MANE Select); 6 bases into the intron after coding-DNA position 1590, A replaced by G.
Molecular consequence: intron variant.
Genome position (GRCh38, 1-based): chr1:10,292,128, A>G. VCF-style: chr1-10292128-A-G. GRCh37 (hg19) VCF-style: chr1-10352186-A-G.
Other names: c.1452+6A>G (NM_183416.4, NM_015074.3, NM_001365953.1); c.1590+6A>G (NM_001365952.1).
Identifiers: ClinVar variation 3013742 (VCV003013742.5), dbSNP rs754363169, ClinGen allele CA581011.
Genomic context (GRCh38, chr1:10,292,128, plus strand): 5'-GGGAGTTGCCATTCGGGAAGATGGAGGAACCCTAGGGGTTTTCTCACCTAAAAAGGTAGG[A>G]AACAATGCTGTGAAACCTAATCAGACAGAGACACTTTTTGTTTGTCTTTGTTACTGGGGC-3'